The following is an entry in ClinVar:

ClinVar aggregate classification (germline): Uncertain significance (1 of 4 stars; one submission).

Submission:

GeneDx
Classification: Uncertain significance. Last evaluated: 2024-11-20. Review status: criteria provided, single submitter. Criteria: GeneDx Variant Classification Process June 2021. Collection method: clinical testing. Allele origin: germline. Affected: yes.
Comment: Not observed at significant frequency in large population cohorts (gnomAD); In silico analysis supports that this missense variant has a deleterious effect on protein structure/function; Has not been previously published as pathogenic or benign to our knowledge

NM_014727.3(KMT2B):c.4946C>T (p.Ala1649Val)

Gene: KMT2B (lysine methyltransferase 2B; plus strand). Cytogenetic location: 19q13.12.
Variant type: single nucleotide variant.
Coding change: c.4946C>T on transcript NM_014727.3 (MANE Select); coding-DNA position 4946, C replaced by T.
Protein change: p.Ala1649Val; replaces alanine 1649 with valine.
Molecular consequence: missense variant.
Genome position (GRCh38, 1-based): chr19:35,729,995, C>T. VCF-style: chr19-35729995-C-T. GRCh37 (hg19) VCF-style: chr19-36220896-C-T.
Other names: short protein forms A1649V.
Identifiers: ClinVar variation 3900553 (VCV003900553.1).
Genomic context (GRCh38, chr19:35,729,995, plus strand): 5'-GCTTCTCCCCTGAGCTGCCCTCCCCTACGCAGCGCTGCGAGCTCTGCCTGAAGCCTGGCG[C>T]CACGGTGGGCTGCTGCCTGTCCTCCTGCCTCAGCAACTTCCACTTCATGTGTGCCCGGGC-3'
Protein context (NP_055542.1, residues 1639-1659): MRCELCLKPG[Ala1649Val]TVGCCLSSCL